The following is an entry in ClinVar:

NM_000257.4(MYH7):c.3854-11T>C

Gene: MYH7 (myosin heavy chain 7; minus strand). Cytogenetic location: 14q11.2.
Variant type: single nucleotide variant.
Coding change: c.3854-11T>C on transcript NM_000257.4 (MANE Select); 11 bases into the intron before coding-DNA position 3854, T replaced by C.
Molecular consequence: intron variant.
Genome position (GRCh38, 1-based): chr14:23,419,306, A>G on the plus strand (T>C on the coding strand, the complement: MYH7 is on the minus strand). VCF-style: chr14-23419306-A-G. GRCh37 (hg19) VCF-style: chr14-23888515-A-G.
Identifiers: ClinVar variation 925588 (VCV000925588.10), dbSNP rs1181864990, ClinGen allele CA613318036.

ClinVar aggregate classification (germline): Likely benign. Review status: criteria provided, multiple submitters, no conflicts (2 of 4 stars). 3 submissions from 3 submitters: Likely benign (3). Last evaluated 2025-08-06.

Conditions:
Cardiomyopathy (CMYO). Also called: Cardiomyopathies. Identifiers: Orphanet 167848, MedGen C0878544, MONDO:0004994, HP:0001638. Inheritance: Various modes of inheritance.
Hypertrophic cardiomyopathy. Also called: HYPERTROPHIC MYOCARDIOPATHY. Identifiers: Orphanet 217569, MedGen C0007194, MeSH D002312, MONDO:0005045, HP:0001639.

Allele frequency attached by ClinVar (database versions not stated): gnomAD exomes below 0.00001 and 0.00001; TOPMed below 0.00001; gnomAD 0.00001.
gnomAD v4.1: 19 of 1,613,828 alleles (0.0012%); highest among the groups gnomAD compares: Non-Finnish European, 0.0014%; no homozygotes.

Submissions (3):

Labcorp Genetics (formerly Invitae), Labcorp
Classification: Likely benign for Hypertrophic cardiomyopathy. Last evaluated: 2025-08-06. Review status: criteria provided, single submitter. Criteria: Invitae Variant Classification Sherloc (09022015). Collection method: clinical testing. Allele origin: germline.

All of Us Research Program, National Institutes of Health
Classification: Likely benign for Cardiomyopathy. Last evaluated: 2023-11-02. Review status: criteria provided, single submitter. Criteria: ACMG Guidelines, 2015. Collection method: clinical testing. Allele origin: germline. Inheritance: Autosomal dominant inheritance. Observed: 5 variant alleles, 5 heterozygotes.
Comment: This study involves interpretation of variants in research participants for the purpose of population health screening. Participant phenotype was not available at the time of variant classification. Additional details can be found in publication PMID: 35346344, PMCID: PMC8962531

Color Diagnostics, LLC DBA Color Health
Classification: Likely benign for Cardiomyopathy. Last evaluated: 2018-12-03. Review status: criteria provided, single submitter. Criteria: ACMG Guidelines, 2015. Collection method: clinical testing. Allele origin: germline.